The following is an entry in ClinVar:

NM_015213.4(DENND5A):c.1196C>T (p.Pro399Leu)

Gene: DENND5A (DENN domain containing 5A; minus strand). Cytogenetic location: 11p15.4.
Variant type: single nucleotide variant.
Coding change: c.1196C>T on transcript NM_015213.4 (MANE Select); coding-DNA position 1196, C replaced by T.
Protein change: p.Pro399Leu; replaces proline 399 with leucine.
Molecular consequence: missense variant. On other transcripts: non-coding transcript variant (1).
Genome position (GRCh38, 1-based): chr11:9,181,026, G>A on the plus strand (C>T on the coding strand, the complement: DENND5A is on the minus strand). VCF-style: chr11-9181026-G-A. GRCh37 (hg19) VCF-style: chr11-9202573-G-A.
Other names: c.1196C>T, p.Pro399Leu (NM_001243254.2); c.1124C>T, p.Pro375Leu (NM_001348749.2); c.908C>T, p.Pro303Leu (NM_001348750.2); short protein forms P375L, P399L, P303L.
Identifiers: ClinVar variation 4239572 (VCV004239572.2).

ClinVar aggregate classification (germline): Uncertain significance. Review status: criteria provided, multiple submitters, no conflicts (2 of 4 stars). 2 submissions from 2 submitters: Uncertain significance (2). Last evaluated 2025-08-14.

Conditions:
Inborn genetic diseases. Identifiers: MedGen C0950123, MeSH D030342.

Submissions (2):

Ambry Genetics
Classification: Uncertain significance for Inborn genetic diseases. Last evaluated: 2025-08-14. Review status: criteria provided, single submitter. Criteria: Ambry Variant Classification Scheme 2023. Collection method: clinical testing. Allele origin: germline.

Labcorp Genetics (formerly Invitae), Labcorp
Classification: Uncertain significance. Last evaluated: 2025-08-04. Review status: criteria provided, single submitter. Criteria: Invitae Variant Classification Sherloc (09022015). Collection method: clinical testing. Allele origin: germline.
Comment: This sequence change replaces proline, which is neutral and non-polar, with leucine, which is neutral and non-polar, at codon 399 of the DENND5A protein (p.Pro399Leu). This variant is present in population databases (no rsID available, gnomAD 0.0009%). This variant has not been reported in the literature in individuals affected with DENND5A-related conditions. Invitae Evidence Modeling of protein sequence and biophysical properties (such as structural, functional, and spatial information, amino acid conservation, physicochemical variation, residue mobility, and thermodynamic stability) indicates that this missense variant is expected to disrupt DENND5A protein function with a positive predictive value of 80%. In summary, the available evidence is currently insufficient to determine the role of this variant in disease. Therefore, it has been classified as a Variant of Uncertain Significance.